The following is an entry in ClinVar:

ClinVar aggregate classification (germline): Uncertain significance (1 of 4 stars; one submission).

Conditions:
DNA ligase IV deficiency. Identifiers: Orphanet 99812, MedGen C1847827, MONDO:0011686, OMIM 606593.

gnomAD v4.1: 2 of 1,614,020 alleles (0.00012%); highest among the groups gnomAD compares: Non-Finnish European, 0.00017%; no homozygotes.

Submission:

Labcorp Genetics (formerly Invitae), Labcorp
Classification: Uncertain significance for DNA ligase IV deficiency. Last evaluated: 2021-08-26. Review status: criteria provided, single submitter. Criteria: Invitae Variant Classification Sherloc (09022015). Collection method: clinical testing. Allele origin: germline.
Comment: This sequence change replaces proline with leucine at codon 647 of the LIG4 protein (p.Pro647Leu). The proline residue is moderately conserved and there is a moderate physicochemical difference between proline and leucine. This variant is not present in population databases (ExAC no frequency). This variant has not been reported in the literature in individuals affected with LIG4-related conditions. Algorithms developed to predict the effect of missense changes on protein structure and function (SIFT, PolyPhen-2, Align-GVGD) all suggest that this variant is likely to be tolerated. In summary, the available evidence is currently insufficient to determine the role of this variant in disease. Therefore, it has been classified as a Variant of Uncertain Significance.

NM_206937.2(LIG4):c.1940C>T (p.Pro647Leu)

Gene: LIG4 (DNA ligase 4; minus strand). Cytogenetic location: 13q33.3.
Variant type: single nucleotide variant.
Coding change: c.1940C>T on transcript NM_206937.2 (MANE Select); coding-DNA position 1940, C replaced by T.
Protein change: p.Pro647Leu; replaces proline 647 with leucine.
Molecular consequence: missense variant.
Genome position (GRCh38, 1-based): chr13:108,209,329, G>A on the plus strand (C>T on the coding strand, the complement: LIG4 is on the minus strand). VCF-style: chr13-108209329-G-A. GRCh37 (hg19) VCF-style: chr13-108861677-G-A.
Other names: c.1940C>T, p.Pro647Leu (NM_001098268.2, NM_001352598.2, NM_001352599.2 and 6 more transcripts); c.1739C>T, p.Pro580Leu (NM_001330595.2); c.1976C>T, p.Pro659Leu (NM_001352604.2); short protein forms P659L, P580L, P647L.
Identifiers: ClinVar variation 1373446 (VCV001373446.5), dbSNP rs775265846, ClinGen allele CA256180349.